The following is an entry in ClinVar:

ClinVar aggregate classification (germline): Uncertain significance (1 of 4 stars; one submission).

Allele frequency attached by ClinVar (database versions not stated): gnomAD 0.00001.

Submission:

Women's Health and Genetics/Laboratory Corporation of America, LabCorp
Classification: Uncertain significance. Last evaluated: 2022-07-29. Review status: criteria provided, single submitter. Criteria: LabCorp Variant Classification Summary - May 2015. Collection method: clinical testing. Allele origin: germline.
Comment: Variant summary: KDM3B c.583C>A (p.Pro195Thr) results in a non-conservative amino acid change in the encoded protein sequence. Three of five in-silico tools predict a benign effect of the variant on protein function. The variant is located near a canonical splice site in exon 5, yet 4/4 computational tools predict no significant impact on normal splicing. However, these predictions have yet to be confirmed by functional studies. The variant was absent in 249216 control chromosomes (gnomAD). The available data on variant occurrences in the general population are insufficient to allow any conclusion about variant significance. To our knowledge, no occurrence of c.583C>A in individuals affected with KDM3B-Related Disorders and no experimental evidence demonstrating its impact on protein function have been reported. No clinical diagnostic laboratories have submitted clinical-significance assessments for this variant to ClinVar after 2014. Based on the evidence outlined above, the variant was classified as uncertain significance.

NM_016604.4(KDM3B):c.583C>A (p.Pro195Thr)

Gene: KDM3B (lysine demethylase 3B; plus strand). Cytogenetic location: 5q31.2.
Variant type: single nucleotide variant.
Coding change: c.583C>A on transcript NM_016604.4 (MANE Select); coding-DNA position 583, C replaced by A.
Protein change: p.Pro195Thr; replaces proline 195 with threonine.
Molecular consequence: missense variant.
Genome position (GRCh38, 1-based): chr5:138,379,586, C>A. VCF-style: chr5-138379586-C-A. GRCh37 (hg19) VCF-style: chr5-137715275-C-A.
Other names: short protein forms P195T.
Identifiers: ClinVar variation 1704579 (VCV001704579.1), dbSNP rs1255839456, ClinGen allele CA361097997.
Genomic context (GRCh38, chr5:138,379,586, plus strand): 5'-ACAATTATGAAATATAGCTTAGCCAAAAATACTCAATACTGACTGATCTCCCTTTTAGGT[C>A]CCTACAGTGTTCAAGGTCACAGGGTCAAAATATATCAGCCAGAGGGGGAAGAAGGGTGGC-3'
Protein context (NP_057688.3, residues 185-205): QKLQEIFSRG[Pro195Thr]YSVQGHRVKI